The following is an entry in ClinVar:

NM_001384317.1(ZHX3):c.494C>T (p.Ala165Val)

Gene: ZHX3 (zinc fingers and homeoboxes 3; minus strand). Cytogenetic location: 20q12.
Variant type: single nucleotide variant.
Coding change: c.494C>T on transcript NM_001384317.1 (MANE Select); coding-DNA position 494, C replaced by T.
Protein change: p.Ala165Val; replaces alanine 165 with valine.
Molecular consequence: missense variant.
Genome position (GRCh38, 1-based): chr20:41,204,423, G>A on the plus strand (C>T on the coding strand, the complement: ZHX3 is on the minus strand). VCF-style: chr20-41204423-G-A. GRCh37 (hg19) VCF-style: chr20-39833063-G-A.
Other names: c.494C>T, p.Ala165Val (NM_001384315.1, NM_001384316.1, NM_001384318.1 and 8 more transcripts); short protein forms A165V.
Identifiers: ClinVar variation 2395004 (VCV002395004.5), dbSNP rs148161083, ClinGen allele CA9860106.

ClinVar aggregate classification (germline): Uncertain significance. Review status: criteria provided, multiple submitters, no conflicts (2 of 4 stars). 2 submissions from 2 submitters: Uncertain significance (2). Last evaluated 2023-09-06.

Allele frequency attached by ClinVar (database versions not stated): ESP Exome Variant Server 0.00008; gnomAD 0.00008; TOPMed 0.00009; 1000 Genomes Project 30x 0.00016; 1000 Genomes Project 0.00020.
gnomAD v4.1: 79 of 1,614,122 alleles (0.0049%); highest among the groups gnomAD compares: African/African-American, 0.02%; no homozygotes.

Submissions (2):

Labcorp Genetics (formerly Invitae), Labcorp
Classification: Uncertain significance. Last evaluated: 2023-09-06. Review status: criteria provided, single submitter. Criteria: Invitae Variant Classification Sherloc (09022015). Collection method: clinical testing. Allele origin: germline.
Comment: In summary, the available evidence is currently insufficient to determine the role of this variant in disease. Therefore, it has been classified as a Variant of Uncertain Significance. Algorithms developed to predict the effect of missense changes on protein structure and function output the following: SIFT: "Not Available"; PolyPhen-2: "Benign"; Align-GVGD: "Not Available". The valine amino acid residue is found in multiple mammalian species, which suggests that this missense change does not adversely affect protein function. ClinVar contains an entry for this variant (Variation ID: 2395004). This variant has not been reported in the literature in individuals affected with ZHX3-related conditions. This variant is present in population databases (rs148161083, gnomAD 0.01%). This sequence change replaces alanine, which is neutral and non-polar, with valine, which is neutral and non-polar, at codon 165 of the ZHX3 protein (p.Ala165Val).

Ambry Genetics
Classification: Uncertain significance. Last evaluated: 2022-11-18. Review status: criteria provided, single submitter. Criteria: Ambry Variant Classification Scheme 2023. Collection method: clinical testing. Allele origin: germline.